The following is an entry in ClinVar:

NM_000136.3(FANCC):c.112G>A (p.Val38Met)

Gene: FANCC (FA complementation group C; minus strand). Cytogenetic location: 9q22.32.
Variant type: single nucleotide variant.
Coding change: c.112G>A on transcript NM_000136.3 (MANE Select); coding-DNA position 112, G replaced by A.
Protein change: p.Val38Met; replaces valine 38 with methionine.
Molecular consequence: missense variant.
Genome position (GRCh38, 1-based): chr9:95,249,180, C>T on the plus strand (G>A on the coding strand, the complement: FANCC is on the minus strand). VCF-style: chr9-95249180-C-T. GRCh37 (hg19) VCF-style: chr9-98011462-C-T.
Other names: c.112G>A, p.Val38Met (NM_001243743.2, NM_001243744.2); short protein forms V38M.
Identifiers: ClinVar variation 419029 (VCV000419029.24), dbSNP rs778951584, ClinGen allele CA5137833.

ClinVar aggregate classification (germline): Conflicting classifications of pathogenicity. Review status: criteria provided, conflicting classifications (1 of 4 stars). 7 submissions from 7 submitters: Uncertain significance (5); Likely benign (1). 1 of the submissions does not count toward it. Last evaluated 2025-01-09.

Conditions:
Fanconi anemia complementation group C (FANCC). Also called: FANCONI PANCYTOPENIA, TYPE 3; FACC; FANCC-Related Fanconi Anemia; Fanconi anemia, group C. Identifiers: Orphanet 84, MedGen C3468041, MONDO:0009213, OMIM 227645.
Hereditary cancer-predisposing syndrome. Also called: Tumor predisposition; Hereditary Cancer Syndrome; Hereditary neoplastic syndrome; Neoplastic Syndromes, Hereditary. Identifiers: Orphanet 140162, MedGen C0027672, MeSH D009386, MONDO:0015356.
Fanconi anemia (FA). Also called: Fanconi's anemia. Identifiers: Orphanet 84, MedGen C0015625, MeSH D005199, MONDO:0019391.

Allele frequency attached by ClinVar (database versions not stated): gnomAD 0.00001; TOPMed 0.00003; ExAC 0.00005.

Submissions (7):

Ambry Genetics
Classification: Likely benign for Hereditary cancer-predisposing syndrome. Last evaluated: 2025-01-09. Review status: criteria provided, single submitter. Criteria: Ambry Variant Classification Scheme 2023. Collection method: clinical testing. Allele origin: germline.

Labcorp Genetics (formerly Invitae), Labcorp
Classification: Uncertain significance for Fanconi anemia. Last evaluated: 2024-06-04. Review status: criteria provided, single submitter. Criteria: Invitae Variant Classification Sherloc (09022015). Collection method: clinical testing. Allele origin: germline.
Comment: This sequence change replaces valine, which is neutral and non-polar, with methionine, which is neutral and non-polar, at codon 38 of the FANCC protein (p.Val38Met). This variant is present in population databases (rs778951584, gnomAD 0.02%). This variant has not been reported in the literature in individuals affected with FANCC-related conditions. ClinVar contains an entry for this variant (Variation ID: 419029). Advanced modeling of protein sequence and biophysical properties (such as structural, functional, and spatial information, amino acid conservation, physicochemical variation, residue mobility, and thermodynamic stability) performed at Invitae indicates that this missense variant is not expected to disrupt FANCC protein function with a negative predictive value of 80%. In summary, the available evidence is currently insufficient to determine the role of this variant in disease. Therefore, it has been classified as a Variant of Uncertain Significance.

Fulgent Genetics
Classification: Uncertain significance for Fanconi anemia complementation group C. Last evaluated: 2024-04-26. Review status: criteria provided, single submitter. Criteria: ACMG Guidelines, 2015. Collection method: clinical testing. Allele origin: germline.

GeneDx
Classification: Uncertain significance. Last evaluated: 2023-06-01. Review status: criteria provided, single submitter. Criteria: GeneDx Variant Classification Process June 2021. Collection method: clinical testing. Allele origin: germline. Affected: yes.
Comment: Observed in individuals with breast cancer (Thompson et al., 2012); In silico analysis supports that this missense variant does not alter protein structure/function; This variant is associated with the following publications: (PMID: Gordon2000[Book], 23028338)

Blueprint Genetics
Classification: Uncertain significance. Last evaluated: 2023-02-08. Review status: criteria provided, single submitter. Criteria: ACMG Guidelines, 2015. Collection method: clinical testing. Allele origin: germline.

Genetic Services Laboratory, University of Chicago
Classification: Uncertain significance. Last evaluated: 2016-01-07. Review status: criteria provided, single submitter. Criteria: ACMG Guidelines, 2015. Collection method: clinical testing. Allele origin: germline. Affected: no.

Natera, Inc.
Classification: Uncertain significance for Fanconi anemia. Last evaluated: 2019-02-21. Review status: no assertion criteria provided. Collection method: clinical testing. Allele origin: germline. Not counted in ClinVar's aggregate classification.

Literature cited by the submitters: PubMed 23028338 (cited by Ambry Genetics).